The following is an entry in ClinVar:

ClinVar aggregate classification (germline): Likely pathogenic (1 of 4 stars; one submission).

Submission:

GeneDx
Classification: Likely pathogenic. Last evaluated: 2016-05-10. Review status: criteria provided, single submitter. Criteria: GeneDx Variant Classification (06012015). Collection method: clinical testing. Allele origin: germline. Affected: yes.
Comment: The C236X variant in the PIEZO1 gene has not been reported previously as a pathogenic variant nor as a benign variant, to our knowledge. This variant is predicted to cause loss of normal protein function either through protein truncation or nonsense-mediated mRNA decay. The C236X variant was not observed in approximately 2300 individuals of European and African American ancestry in the NHLBI Exome Sequencing Project, indicating it is not a common benign variant in these populations. The C246X variant is a strong candidate for a pathogenic variant; however, the possibility it may be a rare benign variant cannot be excluded.

NM_001142864.4(PIEZO1):c.708C>A (p.Cys236Ter)

Genes: PIEZO1 (piezo type mechanosensitive ion channel component 1; minus strand), LOC100289580 (uncharacterized LOC100289580; plus strand). Cytogenetic location: 16q24.3.
Variant type: single nucleotide variant.
Coding change: c.708C>A on transcript NM_001142864.4 (MANE Select); coding-DNA position 708, C replaced by A.
Protein change: p.Cys236Ter; replaces cysteine 236 with a stop codon.
Molecular consequence: nonsense. On other transcripts: non-coding transcript variant (1).
Genome position (GRCh38, 1-based): chr16:88,738,367, G>T on the plus strand (C>A on the coding strand, the complement: PIEZO1 is on the minus strand). VCF-style: chr16-88738367-G-T. GRCh37 (hg19) VCF-style: chr16-88804775-G-T.
Other names: c.708C>A, p.Cys236Ter (LRG_1137t1); short protein forms C236*.
Identifiers: ClinVar variation 421170 (VCV000421170.2), dbSNP rs1012472070, ClinGen allele CA16620295.
Genomic context (GRCh38, chr16:88,738,367, plus strand): 5'-GCCGAAGCACCCCACCGCGACGCAGAGTCTGCTGAAGCCCCGAGTGCTGATGGGAAAGTG[G>T]CAGGCCCACCAGGTGCAGAGGGCCAGGAAGAGCAGCAGGTAGACACTGGAGAGGGCCGAG-3'